The following is an entry in ClinVar:

ClinVar aggregate classification (germline): Uncertain significance (1 of 4 stars; one submission).

Conditions:
D-2-hydroxyglutaric aciduria 2 (D2HGA2). Identifiers: Orphanet 79315, MedGen C3150909, MONDO:0013345, OMIM 613657.

Submission:

Baylor Genetics
Classification: Uncertain significance for D-2-hydroxyglutaric aciduria 2. Last evaluated: 2020-02-17. Review status: criteria provided, single submitter. Criteria: ACMG Guidelines, 2015. Collection method: clinical testing. Allele origin: unknown. Affected: yes.
Comment: This variant was determined to be of uncertain significance according to ACMG Guidelines, 2015 [PMID:25741868].

NM_002168.4(IDH2):c.877A>C (p.Met293Leu)

Gene: IDH2 (isocitrate dehydrogenase (NADP(+)) 2; minus strand). Cytogenetic location: 15q26.1.
Variant type: single nucleotide variant.
Coding change: c.877A>C on transcript NM_002168.4 (MANE Select); coding-DNA position 877, A replaced by C.
Protein change: p.Met293Leu; replaces methionine 293 with leucine.
Molecular consequence: missense variant.
Genome position (GRCh38, 1-based): chr15:90,087,202, T>G on the plus strand (A>C on the coding strand, the complement: IDH2 is on the minus strand). VCF-style: chr15-90087202-T-G. GRCh37 (hg19) VCF-style: chr15-90630434-T-G.
Other names: c.721A>C, p.Met241Leu (NM_001289910.1); c.487A>C, p.Met163Leu (NM_001290114.2); short protein forms M163L, M241L, M293L.
Identifiers: ClinVar variation 1030528 (VCV001030528.1), dbSNP rs1900881296, ClinGen allele CA393801381.